The following is an entry in ClinVar:

NM_003722.5(TP63):c.859C>T (p.Leu287=)

Gene: TP63 (tumor protein p63; plus strand). Cytogenetic location: 3q28.
Variant type: single nucleotide variant.
Coding change: c.859C>T on transcript NM_003722.5 (MANE Select); coding-DNA position 859, C replaced by T.
Protein change: p.Leu287=; no amino-acid change (leucine 287 retained).
Molecular consequence: synonymous variant.
Genome position (GRCh38, 1-based): chr3:189,866,774, C>T. VCF-style: chr3-189866774-C-T. GRCh37 (hg19) VCF-style: chr3-189584563-C-T.
Other names: c.859C>T, p.Leu287= (NM_001114978.2, NM_001114979.2, NM_001329144.2 and 1 more transcripts); c.577C>T, p.Leu193= (NM_001114980.2, NM_001114981.2, NM_001114982.2 and 2 more transcripts); c.322C>T, p.Leu108= (NM_001329146.2, NM_001329150.2); c.853C>T, p.Leu285= (NM_001329964.2).
Identifiers: ClinVar variation 259134 (VCV000259134.18), dbSNP rs33979049, ClinGen allele CA2752263.

ClinVar aggregate classification (germline): Benign/Likely benign. Review status: criteria provided, multiple submitters, no conflicts (2 of 4 stars). 8 submissions from 6 submitters: Benign (7); Likely benign (1). Last evaluated 2025-02-03.

Conditions:
Ectrodactyly, ectodermal dysplasia, and cleft lip-palate syndrome 3. Also called: Ectrodactyly, Ectodermal Dysplasia, Clefting Syndrome; EEC SYNDROME 3; Ectrodactyly, Ectodermal Dysplasia, Cleft Lip/Palate Syndrome 3 (EEC3); Ectrodactyly, Ectodermal Dysplasia, Clefting Syndrome Type 3 (EEC3). Identifiers: Orphanet 1896, MedGen C1858562, MONDO:0011428, OMIM 604292.
Orofacial cleft 8. Also called: Cleft lip with or without cleft palate, nonsyndromic, 8. Identifiers: MedGen C1851878, MONDO:0029145, OMIM 618149.
TP63-Related Spectrum Disorders.

Allele frequency attached by ClinVar (database versions not stated): TOPMed 0.01313; 1000 Genomes Project 30x 0.01359; gnomAD 0.01380 and 0.01383; ESP Exome Variant Server 0.01399; 1000 Genomes Project 0.01458; gnomAD exomes 0.01628 and 0.02031; ExAC 0.01653.
gnomAD v4.1: 31,735 of 1,613,978 alleles (2%); highest among the groups gnomAD compares: South Asian, 2.7%; 370 homozygotes.

Submissions (8):

Labcorp Genetics (formerly Invitae), Labcorp
Classification: Benign. Last evaluated: 2025-02-03. Review status: criteria provided, single submitter. Criteria: Invitae Variant Classification Sherloc (09022015). Collection method: clinical testing. Allele origin: germline.

Blueprint Genetics
Classification: Likely benign. Last evaluated: 2024-11-26. Review status: criteria provided, single submitter. Criteria: ACMG Guidelines, 2015. Collection method: clinical testing. Allele origin: germline.

Illumina Laboratory Services, Illumina
Classification: Benign for TP63-Related Spectrum Disorders. Last evaluated: 2018-01-12. Review status: criteria provided, single submitter. Criteria: ICSL Variant Classification Criteria 13 December 2019. Collection method: clinical testing. Allele origin: germline.
Comment: This variant was observed in the ICSL laboratory as part of a predisposition screen in an ostensibly healthy population. It had not been previously curated by ICSL or reported in the Human Gene Mutation Database (HGMD: prior to June 1st, 2018), and was therefore a candidate for classification through an automated scoring system. Utilizing variant allele frequency, disease prevalence and penetrance estimates, and inheritance mode, an automated score was calculated to assess if this variant is too frequent to cause the disease. Based on the score and internal cut-off values, a variant classified as benign is not then subjected to further curation. The score for this variant resulted in a classification of benign for this disease.

Illumina Laboratory Services, Illumina
Classification: Benign for Ectrodactyly, ectodermal dysplasia, and cleft lip-palate syndrome 3. Last evaluated: 2018-01-12. Review status: criteria provided, single submitter. Criteria: ICSL Variant Classification Criteria 13 December 2019. Collection method: clinical testing. Allele origin: germline.
Comment: the same text as in the submission from Illumina Laboratory Services, Illumina above.

Illumina Laboratory Services, Illumina
Classification: Benign for Orofacial cleft 8. Last evaluated: 2018-01-12. Review status: criteria provided, single submitter. Criteria: ICSL Variant Classification Criteria 13 December 2019. Collection method: clinical testing. Allele origin: germline.
Comment: the same text as in the submission from Illumina Laboratory Services, Illumina above.

GeneDx
Classification: Benign. Last evaluated: 2015-03-03. Review status: criteria provided, single submitter. Criteria: GeneDx Variant Classification Process June 2021. Collection method: clinical testing. Allele origin: germline. Affected: yes.

Breakthrough Genomics
Classification: Benign. Review status: criteria provided, single submitter. Criteria: ACMG Guidelines, 2015. Collection method: not provided. Allele origin: germline. Inheritance: Autosomal dominant inheritance. Affected: yes.

PreventionGenetics, part of Exact Sciences
Classification: Benign. Review status: criteria provided, single submitter. Criteria: ACMG Guidelines, 2015. Collection method: clinical testing. Allele origin: germline.